The following is an entry in ClinVar:

ClinVar aggregate classification (germline): Uncertain significance (1 of 4 stars; one submission).

gnomAD v4.1: 1 of 1,614,242 alleles (0.000062%); highest among the groups gnomAD compares: Non-Finnish European, 0.000085%; no homozygotes.

Submission:

Labcorp Genetics (formerly Invitae), Labcorp
Classification: Uncertain significance. Last evaluated: 2025-03-31. Review status: criteria provided, single submitter. Criteria: Invitae Variant Classification Sherloc (09022015). Collection method: clinical testing. Allele origin: germline.
Comment: This sequence change replaces serine, which is neutral and polar, with asparagine, which is neutral and polar, at codon 553 of the DSCAML1 protein (p.Ser553Asn). This variant is not present in population databases (gnomAD no frequency). This variant has not been reported in the literature in individuals affected with DSCAML1-related conditions. An algorithm developed to predict the effect of missense changes on protein structure and function (PolyPhen-2) suggests that this variant is likely to be disruptive. In summary, the available evidence is currently insufficient to determine the role of this variant in disease. Therefore, it has been classified as a Variant of Uncertain Significance.

NM_020693.4(DSCAML1):c.1478G>A (p.Ser493Asn)

Gene: DSCAML1 (DS cell adhesion molecule like 1; minus strand). Cytogenetic location: 11q23.3.
Variant type: single nucleotide variant.
Coding change: c.1478G>A on transcript NM_020693.4 (MANE Select); coding-DNA position 1478, G replaced by A.
Protein change: p.Ser493Asn; replaces serine 493 with asparagine.
Molecular consequence: missense variant.
Genome position (GRCh38, 1-based): chr11:117,518,498, C>T on the plus strand (G>A on the coding strand, the complement: DSCAML1 is on the minus strand). VCF-style: chr11-117518498-C-T. GRCh37 (hg19) VCF-style: chr11-117389213-C-T.
Other names: c.1478G>A, p.Ser493Asn (NM_001367904.1); c.1070G>A, p.Ser357Asn (NM_001367905.1); short protein forms S357N, S493N.
Identifiers: ClinVar variation 3623134 (VCV003623134.2).
Genomic context (GRCh38, chr11:117,518,498, plus strand): 5'-ATTCTGATATTTAAATGTAGACAGGCACCTCTTACGTTTATTCGCGCCTGATATTCAGCA[C>T]TGCCCACCAAGTTCCGCGCTGTGCACCGGTACACGCCCCCGTCGCGGATCTGGGGGCCTG-3'
Protein context (NP_065744.3, residues 483-503): YRCTARNLVG[Ser493Asn]AEYQARINVR